The following is an entry in ClinVar:

NM_004260.4(RECQL4):c.2380A>G (p.Ser794Gly)

Gene: RECQL4 (RecQ like helicase 4; minus strand). Cytogenetic location: 8q24.3.
Variant type: single nucleotide variant.
Coding change: c.2380A>G on transcript NM_004260.4 (MANE Select); coding-DNA position 2380, A replaced by G.
Protein change: p.Ser794Gly; replaces serine 794 with glycine.
Molecular consequence: missense variant. On other transcripts: non-coding transcript variant (3), intron variant (3).
Genome position (GRCh38, 1-based): chr8:144,513,301, T>C on the plus strand (A>G on the coding strand, the complement: RECQL4 is on the minus strand). VCF-style: chr8-144513301-T-C. GRCh37 (hg19) VCF-style: chr8-145738684-T-C.
Other names: c.2251A>G, p.Ser751Gly (NM_001413025.1); c.1243A>G, p.Ser415Gly (NM_001413027.1, NM_001413030.1, NM_001413032.1 and 1 more transcripts); c.1309A>G, p.Ser437Gly (NM_001413028.1, NM_001413034.1, NM_001413035.1 and 5 more transcripts); c.2029A>G, p.Ser677Gly (NM_001413029.1); c.1111A>G, p.Ser371Gly (NM_001413031.1); c.2248A>G, p.Ser750Gly (NM_001413033.1); c.2380A>G, p.Ser794Gly (NM_001413036.1, NM_001413019.1); c.1177A>G, p.Ser393Gly (NM_001413037.1); and 7 more; short protein forms S437G, S762G, S415G, S751G, S784G, S305G, S750G, S371G.
Identifiers: ClinVar variation 4628936 (VCV004628936.1).
Genomic context (GRCh38, chr8:144,513,301, plus strand): 5'-AGTGGGCAGGCTGCCCGTCACGCCCGGCCCGGCCCACGGCCTGCACGTAGCTCTCGAAGC[T>C]TGGGGGCAGCCCCAGATGCAGCACAGCCCGCACATCTGGCCGGTCCAGCCCCATCCCAAA-3'
Protein context (NP_004251.4, residues 784-804): RAVLHLGLPP[Ser794Gly]FESYVQAVGR

ClinVar aggregate classification (germline): Uncertain significance (1 of 4 stars; one submission).

Conditions:
Inborn genetic diseases. Identifiers: MedGen C0950123, MeSH D030342.

Submission:

Ambry Genetics
Classification: Uncertain significance for Inborn genetic diseases. Last evaluated: 2025-10-03. Review status: criteria provided, single submitter. Criteria: Ambry Variant Classification Scheme 2023. Collection method: clinical testing. Allele origin: germline.
Comment: The p.S794G variant (also known as c.2380A>G), located in coding exon 14 of the RECQL4 gene, results from an A to G substitution at nucleotide position 2380. The serine at codon 794 is replaced by glycine, an amino acid with similar properties. This amino acid position is conserved. Based on the available evidence, the clinical significance of this variant remains unclear.